The following is an entry in ClinVar:

ClinVar aggregate classification (germline): Uncertain significance (1 of 4 stars; one submission).

gnomAD v4.1: 1 of 1,613,652 alleles (0.000062%); highest among the groups gnomAD compares: Admixed American, 0.0017%; no homozygotes.

Submission:

Labcorp Genetics (formerly Invitae), Labcorp
Classification: Uncertain significance. Last evaluated: 2025-12-15. Review status: criteria provided, single submitter. Criteria: Invitae Variant Classification Sherloc (09022015). Collection method: clinical testing. Allele origin: germline.
Comment: This sequence change affects codon 10 of the FAR1 mRNA. It is a 'silent' change, meaning that it does not change the encoded amino acid sequence of the FAR1 protein. This variant is present in population databases (no rsID available, gnomAD 0.003%). This variant has not been reported in the literature in individuals affected with FAR1-related conditions. Algorithms developed to predict the effect of sequence changes on RNA splicing suggest that this variant may create or strengthen a splice site. In summary, the available evidence is currently insufficient to determine the role of this variant in disease. Therefore, it has been classified as a Variant of Uncertain Significance.

NM_032228.6(FAR1):c.30C>T (p.Gly10=)

Gene: FAR1 (fatty acyl-CoA reductase 1; plus strand). Cytogenetic location: 11p15.3.
Variant type: single nucleotide variant.
Coding change: c.30C>T on transcript NM_032228.6 (MANE Select); coding-DNA position 30, C replaced by T.
Protein change: p.Gly10=; no amino-acid change (glycine 10 retained).
Molecular consequence: synonymous variant.
Genome position (GRCh38, 1-based): chr11:13,694,795, C>T. VCF-style: chr11-13694795-C-T. GRCh37 (hg19) VCF-style: chr11-13716342-C-T.
Other names: c.30C>T, p.Gly10= (NM_001441242.1, NM_001441243.1, NM_001441244.1 and 6 more transcripts).
Identifiers: ClinVar variation 4738552 (VCV004738552.1).